The following is an entry in ClinVar:

ClinVar aggregate classification (germline): Uncertain significance. Review status: criteria provided, single submitter (1 of 4 stars). 2 submissions from 2 submitters: Uncertain significance (1). 1 of the submissions does not count toward it. Last evaluated 2024-02-24.

Conditions:
Charcot-Marie-Tooth disease type 2. Also called: Charcot-Marie-Tooth type 2. Identifiers: Orphanet 64746, MedGen C0270914, MONDO:0018993.
Congenital generalized lipodystrophy type 2 (CGL2). Also called: SEIP SYNDROME; BERARDINELLI SYNDROME; BRUNZELL SYNDROME, BSCL2-RELATED; Berardinelli-Seip Congenital Lipodystrophy Type 2. Identifiers: Orphanet 528, Orphanet 696289, MedGen C1720863, MONDO:0010020, OMIM 269700.

Submissions (2):

Labcorp Genetics (formerly Invitae), Labcorp
Classification: Uncertain significance for Charcot-Marie-Tooth disease type 2. Last evaluated: 2024-02-24. Review status: criteria provided, single submitter. Criteria: Invitae Variant Classification Sherloc (09022015). Collection method: clinical testing. Allele origin: germline.
Comment: This sequence change replaces threonine, which is neutral and polar, with isoleucine, which is neutral and non-polar, at codon 195 of the BSCL2 protein (p.Thr195Ile). This variant is not present in population databases (gnomAD no frequency). This variant has not been reported in the literature in individuals affected with BSCL2-related conditions. ClinVar contains an entry for this variant (Variation ID: 623294). Advanced modeling of protein sequence and biophysical properties (such as structural, functional, and spatial information, amino acid conservation, physicochemical variation, residue mobility, and thermodynamic stability) performed at Invitae indicates that this missense variant is not expected to disrupt BSCL2 protein function with a negative predictive value of 80%. In summary, the available evidence is currently insufficient to determine the role of this variant in disease. Therefore, it has been classified as a Variant of Uncertain Significance.

Department of Genetics, Sultan Qaboos University Hospital
Classification: Uncertain significance for Congenital generalized lipodystrophy type 2. Last evaluated: 2024-06-12. Review status: no assertion criteria provided. Collection method: curation. Allele origin: unknown. Affected: yes. Not counted in ClinVar's aggregate classification.

NM_001122955.4(BSCL2):c.776C>T (p.Thr259Ile)

Genes: BSCL2 (BSCL2 lipid droplet biogenesis associated, seipin; minus strand), HNRNPUL2-BSCL2 (HNRNPUL2-BSCL2 readthrough (NMD candidate); minus strand). Cytogenetic location: 11q12.3.
Variant type: single nucleotide variant.
Coding change: c.776C>T on transcript NM_001122955.4 (MANE Select); coding-DNA position 776, C replaced by T.
Protein change: p.Thr259Ile; replaces threonine 259 with isoleucine.
Molecular consequence: missense variant. On other transcripts: non-coding transcript variant (1).
Genome position (GRCh38, 1-based): chr11:62,692,463, G>A on the plus strand (C>T on the coding strand, the complement: BSCL2 is on the minus strand). VCF-style: chr11-62692463-G-A. GRCh37 (hg19) VCF-style: chr11-62459935-G-A.
Other names: c.584C>T, p.Thr195Ile (NM_001130702.2, NM_032667.6); c.776C>T, p.Thr259Ile (NM_001386027.1, NM_001386028.1); short protein forms T195I, T259I.
Identifiers: ClinVar variation 623294 (VCV000623294.12), dbSNP rs1565144468, ClinGen allele CA380962315.